The following is an entry in ClinVar:

NM_001378454.1(ALMS1):c.5320C>T (p.Pro1774Ser)

Gene: ALMS1 (ALMS1 centrosome and basal body associated protein; plus strand). Cytogenetic location: 2p13.1.
Variant type: single nucleotide variant.
Coding change: c.5320C>T on transcript NM_001378454.1 (MANE Select); coding-DNA position 5320, C replaced by T.
Protein change: p.Pro1774Ser; replaces proline 1774 with serine.
Molecular consequence: missense variant.
Genome position (GRCh38, 1-based): chr2:73,451,847, C>T. VCF-style: chr2-73451847-C-T. GRCh37 (hg19) VCF-style: chr2-73678974-C-T.
Other names: c.5323C>T, p.Pro1775Ser (NM_015120.4); short protein forms P1774S, P1775S.
Identifiers: ClinVar variation 1365981 (VCV001365981.3), dbSNP rs2103786033, ClinGen allele CA347280954.

ClinVar aggregate classification (germline): Uncertain significance (1 of 4 stars; one submission).

Conditions:
Alstrom syndrome (ALMS). Identifiers: Orphanet 64, MedGen C0268425, MONDO:0008763, OMIM 203800.

Submission:

Labcorp Genetics (formerly Invitae), Labcorp
Classification: Uncertain significance for Alstrom syndrome. Last evaluated: 2021-09-30. Review status: criteria provided, single submitter. Criteria: Invitae Variant Classification Sherloc (09022015). Collection method: clinical testing. Allele origin: germline.
Comment: This sequence change replaces proline with serine at codon 1775 of the ALMS1 protein (p.Pro1775Ser). The proline residue is moderately conserved and there is a moderate physicochemical difference between proline and serine. This variant is not present in population databases (ExAC no frequency). This variant has not been reported in the literature in individuals affected with ALMS1-related conditions. Experimental studies and prediction algorithms are not available or were not evaluated, and the functional significance of this variant is currently unknown. In summary, the available evidence is currently insufficient to determine the role of this variant in disease. Therefore, it has been classified as a Variant of Uncertain Significance.